The following is an entry in ClinVar:

NM_001160148.2(DDHD1):c.19G>A (p.Gly7Arg)

Gene: DDHD1 (DDHD domain containing 1; minus strand). Cytogenetic location: 14q22.1.
Variant type: single nucleotide variant.
Coding change: c.19G>A on transcript NM_001160148.2 (MANE Select); coding-DNA position 19, G replaced by A.
Protein change: p.Gly7Arg; replaces glycine 7 with arginine.
Molecular consequence: missense variant.
Genome position (GRCh38, 1-based): chr14:53,153,080, C>T on the plus strand (G>A on the coding strand, the complement: DDHD1 is on the minus strand). VCF-style: chr14-53153080-C-T. GRCh37 (hg19) VCF-style: chr14-53619798-C-T.
Other names: p.Gly7Arg; c.19G>A, p.Gly7Arg (NM_001160147.2, NM_030637.3); c.19G>A (NM_001160148.1); short protein forms G7R.
Identifiers: ClinVar variation 532960 (VCV000532960.11), dbSNP rs1052951644, ClinGen allele CA261383520.
Genomic context (GRCh38, chr14:53,153,080, plus strand): 5'-CCAGCTCCCAGGCGCCGCCGCCGCCGCCTCGGCCGTTATGCTCGGGGCTCCGTGGGGACC[C>T]GCGGCCCGGGTAATTCATGCTGTGGAGACGCCGCCGGCTGTCCGGCGGCGCGCGGAGCCG-3'
Protein context (NP_001153620.1, residues 1-17): MNYPGR[Gly7Arg]SPRSPEHNGR

ClinVar aggregate classification (germline): Uncertain significance. Review status: criteria provided, multiple submitters, no conflicts (2 of 4 stars). 4 submissions from 4 submitters: Uncertain significance (4). Last evaluated 2024-08-04.

Conditions:
Hereditary spastic paraplegia 28. Also called: Spastic paraplegia 28, autosomal recessive. Identifiers: Orphanet 101008, MedGen C1836295, MONDO:0012256, OMIM 609340.
Inborn genetic diseases. Identifiers: MedGen C0950123, MeSH D030342.

Allele frequency attached by ClinVar (database versions not stated): gnomAD 0.00002; TOPMed 0.00006; gnomAD exomes 0.00007.

Submissions (4):

Ambry Genetics
Classification: Uncertain significance for Inborn genetic diseases. Last evaluated: 2024-08-04. Review status: criteria provided, single submitter. Criteria: Ambry Variant Classification Scheme 2023. Collection method: clinical testing. Allele origin: germline.

Mayo Clinic Laboratories, Mayo Clinic
Classification: Uncertain significance. Last evaluated: 2023-07-27. Review status: criteria provided, single submitter. Criteria: ACMG Guidelines, 2015. Collection method: clinical testing. Allele origin: germline. Observed: 1 variant allele.
Comment: BP4

Labcorp Genetics (formerly Invitae), Labcorp
Classification: Uncertain significance for Hereditary spastic paraplegia 28. Last evaluated: 2022-05-27. Review status: criteria provided, single submitter. Criteria: Invitae Variant Classification Sherloc (09022015). Collection method: clinical testing. Allele origin: germline.
Comment: In summary, the available evidence is currently insufficient to determine the role of this variant in disease. Therefore, it has been classified as a Variant of Uncertain Significance. Algorithms developed to predict the effect of sequence changes on RNA splicing suggest that this variant may create or strengthen a splice site. Algorithms developed to predict the effect of missense changes on protein structure and function are either unavailable or do not agree on the potential impact of this missense change (SIFT: "Deleterious"; PolyPhen-2: "Possibly Damaging"; Align-GVGD: "Class C0"). ClinVar contains an entry for this variant (Variation ID: 532960). This variant has not been reported in the literature in individuals affected with DDHD1-related conditions. This variant is present in population databases (no rsID available, gnomAD 0.06%). This sequence change replaces glycine, which is neutral and non-polar, with arginine, which is basic and polar, at codon 7 of the DDHD1 protein (p.Gly7Arg).

GeneDx
Classification: Uncertain significance. Last evaluated: 2022-05-12. Review status: criteria provided, single submitter. Criteria: GeneDx Variant Classification Process June 2021. Collection method: clinical testing. Allele origin: germline. Affected: yes.
Comment: In silico analysis supports that this missense variant does not alter protein structure/function; Has not been previously published as pathogenic or benign to our knowledge